The following is an entry in ClinVar:

ClinVar aggregate classification (germline): Uncertain significance. Review status: criteria provided, multiple submitters, no conflicts (2 of 4 stars). 5 submissions from 5 submitters: Uncertain significance (5). Last evaluated 2026-03-30.

Conditions:
Senior-Loken syndrome 4 (SLSN4). Identifiers: Orphanet 3156, MedGen C1846979, MONDO:0011756, OMIM 606996.
Nephronophthisis 4 (NPHP4). Also called: NEPHRONOPHTHISIS 4, JUVENILE. Identifiers: Orphanet 655, MedGen C1847013, MONDO:0011752, OMIM 606966.
NPHP4-related disorder. Also called: NPHP4-related condition; NPHP4-related disorders. Identifiers: MedGen CN239384.
Inborn genetic diseases. Identifiers: MedGen C0950123, MeSH D030342.
Nephronophthisis. Also called: Juvenile Nephronophthisis. Identifiers: Orphanet 655, MedGen C0687120, MONDO:0019005, HP:0000090.

Allele frequency attached by ClinVar (database versions not stated): gnomAD below 0.00001 and 0.00006; gnomAD exomes 0.00005 and 0.00012; ExAC 0.00011; 1000 Genomes Project 30x 0.00047; 1000 Genomes Project 0.00060.
gnomAD v4.1: 80 of 1,611,394 alleles (0.005%); highest among the groups gnomAD compares: South Asian, 0.086%; no homozygotes.

Submissions (5):

PreventionGenetics, part of Exact Sciences
Classification: Uncertain significance for NPHP4-related condition. Last evaluated: 2026-03-30. Review status: criteria provided, single submitter. Criteria: ACMG Guidelines, 2015. Collection method: clinical testing. Allele origin: germline.
Comment: The NPHP4 c.1427C>A variant is predicted to result in the amino acid substitution p.Pro476His. To our knowledge, this variant has not been reported in the literature. This variant is reported in 0.095% of alleles in individuals of South Asian descent in gnomAD, which may be too frequent to be a primary cause of disease. Although we suspect that this variant may be benign, at this time, the clinical significance of this variant is uncertain due to the absence of conclusive functional and genetic evidence.

Labcorp Genetics (formerly Invitae), Labcorp
Classification: Uncertain significance for Nephronophthisis. Last evaluated: 2025-11-10. Review status: criteria provided, single submitter. Criteria: Invitae Variant Classification Sherloc (09022015). Collection method: clinical testing. Allele origin: germline.
Comment: This sequence change replaces proline, which is neutral and non-polar, with histidine, which is basic and polar, at codon 476 of the NPHP4 protein (p.Pro476His). This variant is present in population databases (rs534853218, gnomAD 0.09%). This variant has not been reported in the literature in individuals affected with NPHP4-related conditions. ClinVar contains an entry for this variant (Variation ID: 863898). Invitae Evidence Modeling of protein sequence and biophysical properties (such as structural, functional, and spatial information, amino acid conservation, physicochemical variation, residue mobility, and thermodynamic stability) indicates that this missense variant is expected to disrupt NPHP4 protein function with a positive predictive value of 80%. In summary, the available evidence is currently insufficient to determine the role of this variant in disease. Therefore, it has been classified as a Variant of Uncertain Significance.

Ambry Genetics
Classification: Uncertain significance for Inborn genetic diseases. Last evaluated: 2025-02-20. Review status: criteria provided, single submitter. Criteria: Ambry Variant Classification Scheme 2023. Collection method: clinical testing. Allele origin: germline.

Fulgent Genetics
Classification: Uncertain significance for Nephronophthisis 4; Senior-Loken syndrome 4. Last evaluated: 2022-02-18. Review status: criteria provided, single submitter. Criteria: ACMG Guidelines, 2015. Collection method: clinical testing. Allele origin: unknown.

Blueprint Genetics
Classification: Uncertain significance. Last evaluated: 2019-04-18. Review status: criteria provided, single submitter. Criteria: ACMG Guidelines, 2015. Collection method: clinical testing. Allele origin: germline.

NM_015102.5(NPHP4):c.1427C>A (p.Pro476His)

Gene: NPHP4 (nephrocystin 4; minus strand). Cytogenetic location: 1p36.31.
Variant type: single nucleotide variant.
Coding change: c.1427C>A on transcript NM_015102.5 (MANE Select); coding-DNA position 1427, C replaced by A.
Protein change: p.Pro476His; replaces proline 476 with histidine.
Molecular consequence: missense variant. On other transcripts: non-coding transcript variant (1).
Genome position (GRCh38, 1-based): chr1:5,927,663, G>T on the plus strand (C>A on the coding strand, the complement: NPHP4 is on the minus strand). VCF-style: chr1-5927663-G-T. GRCh37 (hg19) VCF-style: chr1-5987723-G-T.
Other names: c.1427C>A (NM_015102.3); c.61C>A, p.Pro21Thr (NM_001291593.2, NM_001291594.2); short protein forms P21T, P476H.
Identifiers: ClinVar variation 863898 (VCV000863898.13), dbSNP rs534853218, ClinGen allele CA554523.